The following is an entry in ClinVar:

ClinVar aggregate classification (germline): Uncertain significance (1 of 4 stars; one submission).

Conditions:
Congenital disorder of glycosylation (CDG). Also called: Congenital disorders of glycosylation; Carbohydrate-deficient glycoprotein syndrome. Identifiers: Orphanet 137, MedGen C0282577, MONDO:0015286.

Submission:

Labcorp Genetics (formerly Invitae), Labcorp
Classification: Uncertain significance for Congenital disorder of glycosylation. Last evaluated: 2022-07-29. Review status: criteria provided, single submitter. Criteria: Invitae Variant Classification Sherloc (09022015). Collection method: clinical testing. Allele origin: germline.
Comment: In summary, the available evidence is currently insufficient to determine the role of this variant in disease. Therefore, it has been classified as a Variant of Uncertain Significance. This variant has not been reported in the literature in individuals affected with RPN2-related conditions. This variant is not present in population databases (gnomAD no frequency). This sequence change creates a premature translational stop signal (p.Thr149Leufs*29) in the RPN2 gene. It is expected to result in an absent or disrupted protein product. However, the current clinical and genetic evidence is not sufficient to establish whether loss-of-function variants in RPN2 cause disease.

NM_002951.5(RPN2):c.442del (p.Thr149fs)

Gene: RPN2 (ribophorin II; plus strand). Cytogenetic location: 20q11.23.
Variant type: Deletion.
Coding change: c.442del on transcript NM_002951.5 (MANE Select); coding-DNA position 442, one base deleted (C; older notation c.442delC).
Protein change: p.Thr149fs; shifts the reading frame from threonine 149.
Molecular consequence: frameshift variant. On other transcripts: intron variant (1).
Genome position (GRCh38, 1-based): chr20:37,199,188, C deleted; the last of 3 consecutive C bases (chr20:37,199,186-37,199,188); deleting any one gives the same sequence. VCF-style (leftmost placement, unchanged base first): chr20-37199185-GC-G. GRCh37 (hg19) VCF-style: chr20-35827588-GC-G.
Other names: c.346del, p.Thr117fs (NM_001135771.3); c.442del, p.Thr149fs (NM_001324299.2, NM_001324301.2, NM_001324302.2 and 3 more transcripts); c.9-4697del (NM_001324306.2); short protein forms T117fs, T149fs.
Identifiers: ClinVar variation 2020133 (VCV002020133.4), dbSNP rs2515722733, ClinGen allele CA2580098174.